The following is an entry in ClinVar:

NM_000135.4(FANCA):c.367C>A (p.Gln123Lys)

Gene: FANCA (FA complementation group A; minus strand). Cytogenetic location: 16q24.3.
Variant type: single nucleotide variant.
Coding change: c.367C>A on transcript NM_000135.4 (MANE Select); coding-DNA position 367, C replaced by A.
Protein change: p.Gln123Lys; replaces glutamine 123 with lysine.
Molecular consequence: missense variant.
Genome position (GRCh38, 1-based): chr16:89,810,988, G>T on the plus strand (C>A on the coding strand, the complement: FANCA is on the minus strand). VCF-style: chr16-89810988-G-T. GRCh37 (hg19) VCF-style: chr16-89877396-G-T.
Other names: c.367C>A, p.Gln123Lys (NM_001018112.3, NM_001286167.3, NM_001351830.2); short protein forms Q123K.
Identifiers: ClinVar variation 1464705 (VCV001464705.8), dbSNP rs985886242, ClinGen allele CA397480965.

ClinVar aggregate classification (germline): Uncertain significance (1 of 4 stars; one submission).

Conditions:
Fanconi anemia (FA). Also called: Fanconi's anemia. Identifiers: Orphanet 84, MedGen C0015625, MeSH D005199, MONDO:0019391.

Submission:

Labcorp Genetics (formerly Invitae), Labcorp
Classification: Uncertain significance for Fanconi anemia. Last evaluated: 2021-07-06. Review status: criteria provided, single submitter. Criteria: Invitae Variant Classification Sherloc (09022015). Collection method: clinical testing. Allele origin: germline.
Comment: In summary, the available evidence is currently insufficient to determine the role of this variant in disease. Therefore, it has been classified as a Variant of Uncertain Significance. Algorithms developed to predict the effect of missense changes on protein structure and function (SIFT, PolyPhen-2, Align-GVGD) all suggest that this variant is likely to be tolerated, but these predictions have not been confirmed by published functional studies and their clinical significance is uncertain. This variant has not been reported in the literature in individuals with FANCA-related conditions. This variant is not present in population databases (ExAC no frequency). This sequence change replaces glutamine with lysine at codon 123 of the FANCA protein (p.Gln123Lys). The glutamine residue is moderately conserved and there is a small physicochemical difference between glutamine and lysine.